The following is an entry in ClinVar:

ClinVar aggregate classification (germline): Uncertain significance (1 of 4 stars; one submission).

Conditions:
Brody myopathy. Also called: BRODY DISEASE. Identifiers: Orphanet 53347, MedGen C1832918, MONDO:0010977, OMIM 601003.

Submission:

Labcorp Genetics (formerly Invitae), Labcorp
Classification: Uncertain significance for Brody myopathy. Last evaluated: 2018-07-19. Review status: criteria provided, single submitter. Criteria: Invitae Variant Classification Sherloc (09022015). Collection method: clinical testing. Allele origin: germline.
Comment: This variant is not present in population databases (ExAC no frequency). This variant has not been reported in the literature in individuals with ATP2A1-related disease. Algorithms developed to predict the effect of missense changes on protein structure and function are either unavailable or do not agree on the potential impact of this missense change (SIFT: "Deleterious"; PolyPhen-2: "Probably Damaging"; Align-GVGD: "Class C0"). In summary, the available evidence is currently insufficient to determine the role of this variant in disease. Therefore, it has been classified as a Variant of Uncertain Significance. This sequence change replaces proline with leucine at codon 160 of the ATP2A1 protein (p.Pro160Leu). The proline residue is moderately conserved and there is a moderate physicochemical difference between proline and leucine.

NM_004320.6(ATP2A1):c.479C>T (p.Pro160Leu)

Gene: ATP2A1 (ATPase sarcoplasmic/endoplasmic reticulum Ca2+ transporting 1; plus strand). Cytogenetic location: 16p11.2.
Variant type: single nucleotide variant.
Coding change: c.479C>T on transcript NM_004320.6 (MANE Select); coding-DNA position 479, C replaced by T.
Protein change: p.Pro160Leu; replaces proline 160 with leucine.
Molecular consequence: missense variant.
Genome position (GRCh38, 1-based): chr16:28,884,590, C>T. VCF-style: chr16-28884590-C-T. GRCh37 (hg19) VCF-style: chr16-28895911-C-T.
Other names: c.104C>T, p.Pro35Leu (NM_001286075.2); c.479C>T, p.Pro160Leu (NM_173201.5); short protein forms P160L, P35L.
Identifiers: ClinVar variation 651583 (VCV000651583.9), dbSNP rs1596666779, ClinGen allele CA395401484.